The following is an entry in ClinVar:

NM_006231.4(POLE):c.5509C>G (p.Leu1837Val)

Gene: POLE (DNA polymerase epsilon, catalytic subunit; minus strand). Cytogenetic location: 12q24.33.
Variant type: single nucleotide variant.
Coding change: c.5509C>G on transcript NM_006231.4 (MANE Select); coding-DNA position 5509, C replaced by G.
Protein change: p.Leu1837Val; replaces leucine 1837 with valine.
Molecular consequence: missense variant.
Genome position (GRCh38, 1-based): chr12:132,639,168, G>C on the plus strand (C>G on the coding strand, the complement: POLE is on the minus strand). VCF-style: chr12-132639168-G-C. GRCh37 (hg19) VCF-style: chr12-133215754-G-C.
Other names: short protein forms L1837V.
Identifiers: ClinVar variation 998894 (VCV000998894.8), dbSNP rs1565933008, ClinGen allele CA387374621.

ClinVar aggregate classification (germline): Uncertain significance (1 of 4 stars; one submission).

Submission:

Labcorp Genetics (formerly Invitae), Labcorp
Classification: Uncertain significance. Last evaluated: 2020-05-11. Review status: criteria provided, single submitter. Criteria: Invitae Variant Classification Sherloc (09022015). Collection method: clinical testing. Allele origin: germline.
Comment: In summary, the available evidence is currently insufficient to determine the role of this variant in disease. Therefore, it has been classified as a Variant of Uncertain Significance. Algorithms developed to predict the effect of missense changes on protein structure and function (SIFT, PolyPhen-2, Align-GVGD) all suggest that this variant is likely to be disruptive, but these predictions have not been confirmed by published functional studies and their clinical significance is uncertain. This variant has not been reported in the literature in individuals with POLE-related conditions. This variant is not present in population databases (ExAC no frequency). This sequence change replaces leucine with valine at codon 1837 of the POLE protein (p.Leu1837Val). The leucine residue is highly conserved and there is a small physicochemical difference between leucine and valine.